The following is an entry in ClinVar:

NM_016169.4(SUFU):c.895C>T (p.Arg299Ter)

Gene: SUFU (SUFU negative regulator of hedgehog signaling; plus strand). Cytogenetic location: 10q24.32.
Variant type: single nucleotide variant.
Coding change: c.895C>T on transcript NM_016169.4 (MANE Select); coding-DNA position 895, C replaced by T.
Protein change: p.Arg299Ter; replaces arginine 299 with a stop codon.
Molecular consequence: nonsense.
Genome position (GRCh38, 1-based): chr10:102,597,278, C>T. VCF-style: chr10-102597278-C-T. GRCh37 (hg19) VCF-style: chr10-104357035-C-T.
Other names: c.895C>T, p.Arg299Ter (NM_001178133.2); short protein forms R299*.
Identifiers: ClinVar variation 822842 (VCV000822842.15), dbSNP rs1590066162, ClinGen allele CA377910857.
Genomic context (GRCh38, chr10:102,597,278, plus strand): 5'-AGCCGGCCCCCCGAGGATGACGAGGACAGCCGGAGCATCTGCATCGGCACACAGCCCCGG[C>T]GACTCTCTGGCAAAGGTGGGAGCCATCACTCAGCATTCCACCAGCCTTCCTCCTTCCTTT-3'

ClinVar aggregate classification (germline): Pathogenic. Review status: criteria provided, multiple submitters, no conflicts (2 of 4 stars). 4 submissions from 4 submitters: Pathogenic (4). Last evaluated 2025-03-03.

Conditions:
Basal cell nevus syndrome 2 (BCNS2). Also called: NEVOID BASAL CELL CARCINOMA SYNDROME 2. Identifiers: MedGen C5830451, MONDO:0958189, OMIM 620343.
Hereditary cancer-predisposing syndrome. Also called: Hereditary Cancer Syndrome; Neoplastic Syndromes, Hereditary; Tumor predisposition; Hereditary neoplastic syndrome. Identifiers: Orphanet 140162, MedGen C0027672, MeSH D009386, MONDO:0015356.
Gorlin syndrome. Also called: Basal cell nevus syndrome; Nevoid Basal Cell Carcinoma Syndrome. Identifiers: Orphanet 377, MedGen C0004779, MONDO:0007187.
Medulloblastoma (MDB). Also called: Medulloblastoma, somatic; MEDULLOBLASTOMA PREDISPOSITION SYNDROME. Identifiers: Orphanet 616, MedGen C0025149, MeSH D008527, MONDO:0007959, OMIM 155255, HP:0002885.

Submissions (4):

Ambry Genetics
Classification: Pathogenic for Hereditary cancer-predisposing syndrome. Last evaluated: 2025-03-03. Review status: criteria provided, single submitter. Criteria: Ambry Variant Classification Scheme 2023. Collection method: clinical testing. Allele origin: germline.
Comment: The p.R299* variant (also known as c.895C>T), located in coding exon 7 of the SUFU gene, results from a C to T substitution at nucleotide position 895. This changes the amino acid from an arginine to a stop codon within coding exon 7. This mutation has been detected in a patient diagnosed with medulloblastoma (SHH molecular group) and Turner syndrome (Waszak SM et al. Lancet Oncol. 2018 Jun;19(6):785-798). This mutation has also been detected in a child with Joubert syndrome and in the healthy mother (De Mori R et al. Am J Hum Genet. 2017 Oct 5;101(4):552-563). In addition to the clinical data presented in the literature, this alteration is expected to result in loss of function by premature protein truncation or nonsense-mediated mRNA decay. As such, this alteration is interpreted as a disease-causing mutation.

GeneDx
Classification: Pathogenic. Last evaluated: 2025-02-19. Review status: criteria provided, single submitter. Criteria: GeneDx Variant Classification Process June 2021. Collection method: clinical testing. Allele origin: germline.
Comment: Observed in the heterozygous state in an individual with Joubert syndrome; however, it was not specified if this patient was identified to have other variants (PMID: 28965847); Nonsense variant predicted to result in protein truncation or nonsense mediated decay in a gene for which loss of function is a known mechanism of disease; Not observed at significant frequency in large population cohorts (gnomAD); This variant is associated with the following publications: (PMID: 22508808, 25403219, 39181021, 29753700, 28965847)

Labcorp Genetics (formerly Invitae), Labcorp
Classification: Pathogenic for Gorlin syndrome; Medulloblastoma. Last evaluated: 2024-12-15. Review status: criteria provided, single submitter. Criteria: Invitae Variant Classification Sherloc (09022015). Collection method: clinical testing. Allele origin: germline.
Comment: This sequence change creates a premature translational stop signal (p.Arg299*) in the SUFU gene. It is expected to result in an absent or disrupted protein product. Loss-of-function variants in SUFU are known to be pathogenic (PMID: 22508808, 25403219, 33024317). This variant is not present in population databases (gnomAD no frequency). This premature translational stop signal has been observed in individual(s) with medulloblastoma and Joubert syndrome (PMID: 28965847, 29753700). ClinVar contains an entry for this variant (Variation ID: 822842). For these reasons, this variant has been classified as Pathogenic.

Institute for Genomic Medicine (IGM) Clinical Laboratory, Nationwide Children's Hospital
Classification: Pathogenic for Basal cell nevus syndrome 2. Last evaluated: 2024-02-09. Review status: criteria provided, single submitter. Criteria: ACMG Guidelines, 2015. Collection method: clinical testing. Allele origin: germline.
Comment: This variant is predicted to result in loss of function through nonsense-mediated decay of the encoded transcript or premature truncation of the encoded protein in a gene in which loss of function is a known mechanism of disease (ACMG/AMP: PVS1). This variant has been reported at an elevated frequency in affected individuals/in multiple affected individuals in the literature (ACMG/AMP: PS4_Supporting). This variant is absent from or present at an exceedingly low frequency in gnomAD, a large-scale control population database (ACMG/AMP: PM2).

Literature cited by the submitters: PubMed 22508808 (cited by Labcorp Genetics (formerly Invitae), Labcorp); PubMed 25403219 (cited by Labcorp Genetics (formerly Invitae), Labcorp); PubMed 33024317 (cited by Labcorp Genetics (formerly Invitae), Labcorp); PubMed 28965847 (cited by Labcorp Genetics (formerly Invitae), Labcorp); PubMed 29753700 (cited by Labcorp Genetics (formerly Invitae), Labcorp).